The following is an entry in ClinVar:

NM_020937.4(FANCM):c.3944C>T (p.Ala1315Val)

Gene: FANCM (FA complementation group M; plus strand). Cytogenetic location: 14q21.2.
Variant type: single nucleotide variant.
Coding change: c.3944C>T on transcript NM_020937.4 (MANE Select); coding-DNA position 3944, C replaced by T.
Protein change: p.Ala1315Val; replaces alanine 1315 with valine.
Molecular consequence: missense variant.
Genome position (GRCh38, 1-based): chr14:45,176,698, C>T. VCF-style: chr14-45176698-C-T. GRCh37 (hg19) VCF-style: chr14-45645901-C-T.
Other names: c.3866C>T, p.Ala1289Val (NM_001308133.2); short protein forms A1289V, A1315V.
Identifiers: ClinVar variation 4254656 (VCV004254656.1).

ClinVar aggregate classification (germline): Uncertain significance (1 of 4 stars; one submission).

Conditions:
Inborn genetic diseases. Identifiers: MedGen C0950123, MeSH D030342.

Submission:

Ambry Genetics
Classification: Uncertain significance for Inborn genetic diseases. Last evaluated: 2025-08-08. Review status: criteria provided, single submitter. Criteria: Ambry Variant Classification Scheme 2023. Collection method: clinical testing. Allele origin: germline.
Comment: The p.A1315V variant (also known as c.3944C>T), located in coding exon 14 of the FANCM gene, results from a C to T substitution at nucleotide position 3944. The alanine at codon 1315 is replaced by valine, an amino acid with similar properties. This amino acid position is conserved. In addition, this alteration is predicted to be tolerated by in silico analysis. Based on the available evidence, the clinical significance of this variant remains unclear.